The following is an entry in ClinVar:

NM_004836.7(EIF2AK3):c.2416A>G (p.Ile806Val)

Genes: EIF2AK3 (eukaryotic translation initiation factor 2 alpha kinase 3; minus strand), EIF2AK3-AS1 (EIF2AK3 antisense RNA 1; plus strand). Cytogenetic location: 2p11.2.
Variant type: single nucleotide variant.
Coding change: c.2416A>G on transcript NM_004836.7 (MANE Select); coding-DNA position 2416, A replaced by G.
Protein change: p.Ile806Val; replaces isoleucine 806 with valine.
Molecular consequence: missense variant. On other transcripts: non-coding transcript variant (1).
Genome position (GRCh38, 1-based): chr2:88,575,067, T>C on the plus strand (A>G on the coding strand, the complement: EIF2AK3 is on the minus strand). VCF-style: chr2-88575067-T-C. GRCh37 (hg19) VCF-style: chr2-88874585-T-C.
Other names: c.2416A>G (NM_004836.5); c.1963A>G, p.Ile655Val (NM_001313915.2); short protein forms I655V, I806V.
Identifiers: ClinVar variation 2986037 (VCV002986037.4), dbSNP rs2529128072, ClinGen allele CA347591497.

ClinVar aggregate classification (germline): Uncertain significance. Review status: criteria provided, multiple submitters, no conflicts (2 of 4 stars). 2 submissions from 2 submitters: Uncertain significance (2). Last evaluated 2024-03-07.

Conditions:
Inborn genetic diseases. Identifiers: MedGen C0950123, MeSH D030342.

Submissions (2):

Ambry Genetics
Classification: Uncertain significance for Inborn genetic diseases. Last evaluated: 2024-03-07. Review status: criteria provided, single submitter. Criteria: Ambry Variant Classification Scheme 2023. Collection method: clinical testing. Allele origin: germline.

Labcorp Genetics (formerly Invitae), Labcorp
Classification: Uncertain significance. Last evaluated: 2023-03-24. Review status: criteria provided, single submitter. Criteria: Invitae Variant Classification Sherloc (09022015). Collection method: clinical testing. Allele origin: germline.
Comment: This sequence change replaces isoleucine, which is neutral and non-polar, with valine, which is neutral and non-polar, at codon 806 of the EIF2AK3 protein (p.Ile806Val). This variant is not present in population databases (gnomAD no frequency). This variant has not been reported in the literature in individuals affected with EIF2AK3-related conditions. An algorithm developed to predict the effect of missense changes on protein structure and function (PolyPhen-2) suggests that this variant is likely to be tolerated. In summary, the available evidence is currently insufficient to determine the role of this variant in disease. Therefore, it has been classified as a Variant of Uncertain Significance.